The following is an entry in ClinVar:

ClinVar aggregate classification (germline): Benign (0 of 4 stars; one submission).

Conditions:
PTPRT-related disorder. Also called: PTPRT-related condition.

Allele frequency attached by ClinVar (database versions not stated): 1000 Genomes Project 0.00080; 1000 Genomes Project 30x 0.00094; ExAC 0.00282; TOPMed 0.00282; ESP Exome Variant Server 0.00310.
gnomAD v4.1: 6,120 of 1,613,142 alleles (0.38%); highest among the groups gnomAD compares: Non-Finnish European, 0.45%; 12 homozygotes.

Submission:

PreventionGenetics, part of Exact Sciences
Classification: Benign for PTPRT-related condition. Last evaluated: 2019-02-20. Review status: no assertion criteria provided. Collection method: clinical testing. Allele origin: germline.
Comment: This variant is classified as benign based on ACMG/AMP sequence variant interpretation guidelines (Richards et al. 2015 PMID: 25741868, with internal and published modifications).

NM_007050.6(PTPRT):c.2683-9G>T

Gene: PTPRT (protein tyrosine phosphatase receptor type T; minus strand). Cytogenetic location: 20q12.
Variant type: single nucleotide variant.
Coding change: c.2683-9G>T on transcript NM_007050.6 (MANE Select); 9 bases into the intron before coding-DNA position 2683, G replaced by T.
Molecular consequence: intron variant.
Genome position (GRCh38, 1-based): chr20:42,142,011, C>A on the plus strand (G>T on the coding strand, the complement: PTPRT is on the minus strand). VCF-style: chr20-42142011-C-A. GRCh37 (hg19) VCF-style: chr20-40770651-C-A.
Other names: c.2680-9G>T (NM_001394024.1, NM_001394026.1); c.2707-9G>T (NM_001394025.1); c.2740-9G>T (NM_133170.4).
Identifiers: ClinVar variation 3033796 (VCV003033796.2), dbSNP rs186961281, ClinGen allele CA9864168.
Genomic context (GRCh38, chr20:42,142,011, plus strand): 5'-TTTCATCCTCCTTGGCTGTGTCCCACGAAGCTGTCTGCCCCTCTGGTAAGGCCTAAAAAG[C>A]AAGGACAGAGTGGTTAGAGTGGCCTGAGATAGGAGCTTTATGGAAGTGGAGATGAACCAA-3'